The following is an entry in ClinVar:

NM_001330078.2(NRXN1):c.1144A>G (p.Ile382Val)

Gene: NRXN1 (neurexin 1; minus strand). Cytogenetic location: 2p16.3.
Variant type: single nucleotide variant.
Coding change: c.1144A>G on transcript NM_001330078.2 (MANE Select); coding-DNA position 1144, A replaced by G.
Protein change: p.Ile382Val; replaces isoleucine 382 with valine.
Molecular consequence: missense variant. On other transcripts: intron variant (6).
Genome position (GRCh38, 1-based): chr2:50,621,240, T>C on the plus strand (A>G on the coding strand, the complement: NRXN1 is on the minus strand). VCF-style: chr2-50621240-T-C. GRCh37 (hg19) VCF-style: chr2-50848378-T-C.
Other names: c.1243A>G, p.Ile415Val (NM_001135659.3); c.1084A>G, p.Ile362Val (NM_001330083.2, NM_001330084.2); c.1144A>G, p.Ile382Val (NM_001330085.2, NM_001330086.2, NM_004801.6); c.1141A>G, p.Ile381Val (NM_001330093.2); c.1132A>G, p.Ile378Val (NM_001330094.2); c.1075-1057A>G (NM_001330096.2, NM_001330087.2); c.1105-1057A>G (NM_001330088.2); c.1135-1057A>G (NM_001330095.2, NM_001330082.2, NM_001330077.2); short protein forms I378V, I362V, I382V, I381V, I415V.
Identifiers: ClinVar variation 3651439 (VCV003651439.2).

ClinVar aggregate classification (germline): Uncertain significance (1 of 4 stars; one submission).

Conditions:
Pitt-Hopkins-like syndrome 2 (PTHSL2). Identifiers: Orphanet 221150, Orphanet 600663, MedGen C3280479, MONDO:0013690, OMIM 614325.

Submission:

Labcorp Genetics (formerly Invitae), Labcorp
Classification: Uncertain significance for Pitt-Hopkins-like syndrome 2. Last evaluated: 2024-04-30. Review status: criteria provided, single submitter. Criteria: Invitae Variant Classification Sherloc (09022015). Collection method: clinical testing. Allele origin: germline.
Comment: This sequence change replaces isoleucine, which is neutral and non-polar, with valine, which is neutral and non-polar, at codon 415 of the NRXN1 protein (p.Ile415Val). This variant is not present in population databases (gnomAD no frequency). This variant has not been reported in the literature in individuals affected with NRXN1-related conditions. An algorithm developed to predict the effect of missense changes on protein structure and function (PolyPhen-2) suggests that this variant is likely to be tolerated. In summary, the available evidence is currently insufficient to determine the role of this variant in disease. Therefore, it has been classified as a Variant of Uncertain Significance.